The following is an entry in ClinVar:

NM_000152.5(GAA):c.217G>A (p.Gly73Ser)

Gene: GAA (alpha glucosidase; plus strand). Cytogenetic location: 17q25.3.
Variant type: single nucleotide variant.
Coding change: c.217G>A on transcript NM_000152.5 (MANE Select); coding-DNA position 217, G replaced by A.
Protein change: p.Gly73Ser; replaces glycine 73 with serine.
Molecular consequence: missense variant.
Genome position (GRCh38, 1-based): chr17:80,104,803, G>A. VCF-style: chr17-80104803-G-A. GRCh37 (hg19) VCF-style: chr17-78078602-G-A.
Other names: c.217G>A, p.Gly73Ser (NM_001079803.3, NM_001079804.3); c.217G>A (NM_001079803.2); short protein forms G73S.
Identifiers: ClinVar variation 968345 (VCV000968345.46), dbSNP rs760644219, ClinGen allele CA8814813.

ClinVar aggregate classification (germline): Uncertain significance. Review status: criteria provided, multiple submitters, no conflicts (2 of 4 stars). 5 submissions from 5 submitters: Uncertain significance (4). 1 of the submissions does not count toward it. Last evaluated 2025-10-29.

Conditions:
Glycogen storage disease, type II (IOPD). Also called: Glucosidase acid-1,4-alpha deficiency; Pompe Disease; CARDIOMEGALIA GLYCOGENICA DIFFUSA; GLYCOGENOSIS, GENERALIZED, CARDIAC FORM; GSD II; Glycogen storage disease type 2. Identifiers: Orphanet 365, MedGen C0017921, MONDO:0009290, OMIM 232300.

Allele frequency attached by ClinVar (database versions not stated): ExAC 0.00001; gnomAD 0.00001; gnomAD exomes 0.00002.

Submissions (5):

Labcorp Genetics (formerly Invitae), Labcorp
Classification: Uncertain significance for Glycogen storage disease, type II. Last evaluated: 2025-10-29. Review status: criteria provided, single submitter. Criteria: Invitae Variant Classification Sherloc (09022015). Collection method: clinical testing. Allele origin: germline.
Comment: This sequence change replaces glycine, which is neutral and non-polar, with serine, which is neutral and polar, at codon 73 of the GAA protein (p.Gly73Ser). This variant is present in population databases (rs760644219, gnomAD 0.01%). This variant has not been reported in the literature in individuals affected with GAA-related conditions. ClinVar contains an entry for this variant (Variation ID: 968345). Invitae Evidence Modeling of protein sequence and biophysical properties (such as structural, functional, and spatial information, amino acid conservation, physicochemical variation, residue mobility, and thermodynamic stability) indicates that this missense variant is not expected to disrupt GAA protein function with a negative predictive value of 95%. In summary, the available evidence is currently insufficient to determine the role of this variant in disease. Therefore, it has been classified as a Variant of Uncertain Significance.

Genome-Nilou Lab
Classification: Uncertain significance for Glycogen storage disease, type II. Last evaluated: 2021-09-05. Review status: criteria provided, single submitter. Criteria: ACMG Guidelines, 2015. Collection method: clinical testing. Allele origin: germline. Affected: no.

Fulgent Genetics
Classification: Uncertain significance for Glycogen storage disease, type II. Last evaluated: 2021-08-03. Review status: criteria provided, single submitter. Criteria: ACMG Guidelines, 2015. Collection method: clinical testing. Allele origin: unknown.

CeGaT Center for Human Genetics Tuebingen
Classification: Uncertain significance. Last evaluated: 2021-08-01. Review status: criteria provided, single submitter. Criteria: CeGaT Center For Human Genetics Tuebingen Variant Classification Criteria Version 2. Collection method: clinical testing. Allele origin: germline. Affected: yes. Observed: 1 variant allele.

Natera, Inc.
Classification: Uncertain significance for Glycogen storage disease type II. Last evaluated: 2020-08-05. Review status: no assertion criteria provided. Collection method: clinical testing. Allele origin: germline. Not counted in ClinVar's aggregate classification.